The following continues an entry in ClinVar:

NM_000552.5(VWF):c.3916C>T (p.Arg1306Trp)

Gene: VWF. ClinVar aggregate classification (germline): Pathogenic. Pathogenic (1).

Submissions 9 to 21 of 21:

Quest Diagnostics Nichols Institute San Juan Capistrano
Classification: Pathogenic. Last evaluated: 2023-04-13. Review status: criteria provided, single submitter. Criteria: Quest Diagnostics criteria. Collection method: clinical testing. Allele origin: unknown. Not counted in ClinVar's aggregate classification.
Comment: This variant has not been reported in large, multi-ethnic general populations. In the published literature, the variant has been reported in affected individuals with Type 2B von Willebrand disease (vWD) (PMIDs: 1672694 (1991), 2010538 (1991), 27029718 (2016), and 31464689 (2019)), causing increased affinity of vWF with platelets (PMID: 15041272 (2003)), the selective loss of high molecular-weight vWF multimers (PMID: 1557393 (1992), and often thrombocytopenia (PMID: 19740526 (2010)). This variant has been reported to occur de novo (PMIDs: 9723578 (1998) and 1419803 (1992)), to segregate with vWD (PMIDs: 19740526 (2010) and 22077376 (2012)), and has been observed in a clinically healthy carrier (PMIDs: 1419803 (1992) and 19740526 (2010)). An in vitro study demonstrated that this variant has increased affinity for platelet receptor glycoprotein than wild type, a higher sensitivity to shear stress which facilitated self-aggregation, and exposure of platelet receptor glycoprotein binding sites (PMID: 23819767 (2013)). Analysis of this variant using bioinformatics tools for the prediction of the effect of amino acid changes on protein structure and function yielded predictions that this variant is damaging. Based on the available information, this variant is classified as pathogenic.

Clinical Genetics Laboratory, Skane University Hospital Lund
Classification: Likely pathogenic. Last evaluated: 2022-05-27. Review status: criteria provided, single submitter. Criteria: ACMG Guidelines, 2015. Collection method: clinical testing. Allele origin: germline. Affected: yes. Not counted in ClinVar's aggregate classification.

Genetics and Molecular Pathology, SA Pathology
Classification: Pathogenic for von Willebrand disease type 2. Last evaluated: 2022-04-07. Review status: criteria provided, single submitter. Criteria: ACMG Guidelines, 2015. Collection method: clinical testing. Allele origin: germline. Affected: yes. Not counted in ClinVar's aggregate classification.
Comment: The VWF c.3916C>T variant is classified as Pathogenic (PS3_Supporting, PS4_Moderate, PM2, PM5, PP1_Strong)

Laboratory of Hematology, Radboud University Medical Center
Classification: Pathogenic for von Willebrand disease type 2. Last evaluated: 2020-12-10. Review status: criteria provided, single submitter. Criteria: ACMG Guidelines, 2015. Collection method: research. Allele origin: germline. Affected: yes. Observed: 8 variant alleles. Study: WIN study. Not counted in ClinVar's aggregate classification.

NIHR Bioresource Rare Diseases, University of Cambridge
Classification: Pathogenic for von Willebrand disorder. Last evaluated: 2019-02-01. Review status: criteria provided, single submitter. Criteria: ACMG Guidelines, 2015. Collection method: research. Allele origin: unknown. Affected: yes. Observed: 2 heterozygotes. Study: ThromboGenomics. Not counted in ClinVar's aggregate classification.

NIHR Bioresource Rare Diseases, University of Cambridge
Classification: Pathogenic for von Willebrand disease type 2. Last evaluated: 2019-02-01. Review status: criteria provided, single submitter. Criteria: ACMG Guidelines, 2015. Collection method: research. Allele origin: unknown. Affected: yes. Observed: 1 heterozygote. Study: ThromboGenomics. Not counted in ClinVar's aggregate classification.

NIHR Bioresource Rare Diseases, University of Cambridge
Classification: Likely pathogenic for Abnormality of coagulation. Last evaluated: 2019-02-01. Review status: criteria provided, single submitter. Criteria: ACMG Guidelines, 2015. Collection method: research. Allele origin: unknown. Affected: yes. Observed: 1 heterozygote. Study: ThromboGenomics. Not counted in ClinVar's aggregate classification.

Versiti Diagnostic Laboratories, Versiti, Inc
Classification: Pathogenic for von Willebrand disease, type 2b. Last evaluated: 2018-05-14. Review status: criteria provided, single submitter. Criteria: Versiti Assertion Criteria. Collection method: clinical testing. Allele origin: germline. Affected: yes. Observed: 12 variant alleles. Not counted in ClinVar's aggregate classification.
Comment: The missense variant VWF c.3916C>T, p.Arg1306Trp (p.R1306W) in exon 28 changes amino acid arginine at codon 1306 to tryptophan. The arginine at this residue is somewhat conserved among species. This amino acid change occurs in the A1 domain, a functional domain that binds GP1ba and collagen (Springer, 2014). This sequence variant has been previously reported in patients with type 2B von Willebrand disease (Cooney, 1991; Randi, 1991; Ozeki, 2010) and has been observed in multiple patients with type 2B VWD in our laboratory cohort. Functional studies of the variant in mammalian cells demonstrated significantly increased platelet binding in the presence and absence of ristocetin (Cooney, 1996) and dramatic enhancement of multimer sensitivity to shear stress. (Scaglione, 2013). To date, this variant has not been reported in the general population (GnomAD, Exome Variant Server). In summary, the collective evidence supports VWF c.3916C>T, p.Arg1306Trp as a pathogenic variant for type 2B von Willebrand disease.

Angelo Bianchi Bonomi Hemophilia and Thrombosis Center, Fondazione IRCCS Ca Granda Ospedale Maggiore Policlinico
Classification: Pathogenic for von Willebrand disease type 2. Last evaluated: 2022-04-26. Review status: no assertion criteria provided. Collection method: clinical testing. Allele origin: germline. Affected: yes. Not counted in ClinVar's aggregate classification.

OMIM
Classification: Pathogenic for VON WILLEBRAND DISEASE, TYPE 2B. Last evaluated: 2010-05-01. Review status: no assertion criteria provided. Collection method: literature only. Allele origin: germline. Not counted in ClinVar's aggregate classification.

Academic Unit of Haematology, University of Sheffield
No classification provided. Review status: no classification provided. Collection method: not provided. Allele origin: not provided. Not counted in ClinVar's aggregate classification.

GeneReviews
No classification provided. Condition: von Willebrand disorder. Review status: no classification provided. Collection method: literature only. Allele origin: germline. Not counted in ClinVar's aggregate classification.

ISTH-SSC Genomics in Thrombosis and Hemostasis, KU Leuven, Center for Molecular and Vascular Biology
Classification: Pathogenic for von Willebrand disorder. Review status: no assertion criteria provided. Collection method: research. Allele origin: unknown. Affected: yes. Not counted in ClinVar's aggregate classification.
Comment: Submitted to GoldVariant by Dr Marie-Christine Morel-Kopp from Northern Blood Research Centre, Sydney, Australia

Literature cited by the submitters: PubMed 20371742 (cited by ClinGen von Willebrand Disease Variant Curation Expert Panel, ClinGen); PubMed 26917779 (cited by Women's Health and Genetics/Laboratory Corporation of America, LabCorp); PubMed 1557393 (cited by Quest Diagnostics Nichols Institute San Juan Capistrano); PubMed 1672694 (cited by Quest Diagnostics Nichols Institute San Juan Capistrano and Versiti Diagnostic Laboratories, Versiti, Inc); PubMed 9723578 (cited by Quest Diagnostics Nichols Institute San Juan Capistrano); PubMed 1419803 (cited by Quest Diagnostics Nichols Institute San Juan Capistrano and OMIM); PubMed 2010538 (cited by 3 submitters); PubMed 27029718 (cited by Quest Diagnostics Nichols Institute San Juan Capistrano); PubMed 19740526 (cited by Quest Diagnostics Nichols Institute San Juan Capistrano); PubMed 22077376 (cited by Quest Diagnostics Nichols Institute San Juan Capistrano); PubMed 23819767 (cited by Quest Diagnostics Nichols Institute San Juan Capistrano and Versiti Diagnostic Laboratories, Versiti, Inc); PubMed 31064749 (cited by Quest Diagnostics Nichols Institute San Juan Capistrano and NIHR Bioresource Rare Diseases, University of Cambridge); PubMed 31464689 (cited by Quest Diagnostics Nichols Institute San Juan Capistrano); PubMed 15041272 (cited by Quest Diagnostics Nichols Institute San Juan Capistrano); PubMed 8630394 (cited by Versiti Diagnostic Laboratories, Versiti, Inc); PubMed 24928861 (cited by Versiti Diagnostic Laboratories, Versiti, Inc); PubMed 20409624 (cited by OMIM); PubMed 6773982 (cited by OMIM); NCBI Bookshelf NBK7014 (cited by GeneReviews).